The following is an entry in ClinVar:

NM_000051.4(ATM):c.4145C>T (p.Pro1382Leu)

Gene: ATM (ATM serine/threonine kinase; plus strand). Cytogenetic location: 11q22.3.
Variant type: single nucleotide variant.
Coding change: c.4145C>T on transcript NM_000051.4 (MANE Select); coding-DNA position 4145, C replaced by T.
Protein change: p.Pro1382Leu; replaces proline 1382 with leucine.
Molecular consequence: missense variant.
Genome position (GRCh38, 1-based): chr11:108,289,012, C>T. VCF-style: chr11-108289012-C-T. GRCh37 (hg19) VCF-style: chr11-108159739-C-T.
Other names: c.4145C>T, p.Pro1382Leu (NM_001351834.2); short protein forms P1382L.
Identifiers: ClinVar variation 233567 (VCV000233567.20), dbSNP rs752460436, ClinGen allele CA6265409.
Genomic context (GRCh38, chr11:108,289,012, plus strand): 5'-GTATTTTTTCCCTTAACTCTGTTAGGGATTTGGATCCTGCTCCTAATCCACCTCATTTTC[C>T]ATCGCATGTGATTAAAGCAACATTTGCCTATATCAGCAATTGTCATAAAACCAAGTTAAA-3'
Protein context (NP_000042.3, residues 1372-1392): LDPAPNPPHF[Pro1382Leu]SHVIKATFAY

ClinVar aggregate classification (germline): Conflicting classifications of pathogenicity. Review status: criteria provided, conflicting classifications (1 of 4 stars). 5 submissions from 5 submitters: Uncertain significance (4); Likely benign (1). Last evaluated 2025-11-30.

Conditions:
Ataxia-telangiectasia syndrome (AT). Also called: Ataxia telangiectasia (A-T); LOUIS-BAR SYNDROME; Cerebello-oculocutaneous telangiectasia; Immunodeficiency with ataxia telangiectasia; ATAXIA-TELANGIECTASIA, COMPLEMENTATION GROUP A; ATAXIA-TELANGIECTASIA, FRESNO VARIANT. Identifiers: Orphanet 100, MedGen C0004135, MONDO:0008840, OMIM 208900.
Hereditary cancer-predisposing syndrome. Also called: Tumor predisposition; Hereditary Cancer Syndrome; Hereditary neoplastic syndrome; Neoplastic Syndromes, Hereditary. Identifiers: Orphanet 140162, MedGen C0027672, MeSH D009386, MONDO:0015356.

Allele frequency attached by ClinVar (database versions not stated): gnomAD exomes below 0.00001 and 0.00001; ExAC 0.00001.
gnomAD v4.1: 12 of 1,613,508 alleles (0.00074%); highest among the groups gnomAD compares: Non-Finnish European, 0.001%; no homozygotes.

Submissions (5):

Ambry Genetics
Classification: Uncertain significance for Hereditary cancer-predisposing syndrome. Last evaluated: 2025-11-30. Review status: criteria provided, single submitter. Criteria: Ambry Variant Classification Scheme 2023. Collection method: clinical testing. Allele origin: germline.
Comment: The p.P1382L variant (also known as c.4145C>T), located in coding exon 27 of the ATM gene, results from a C to T substitution at nucleotide position 4145. The proline at codon 1382 is replaced by leucine, an amino acid with similar properties. This amino acid position is well conserved in available vertebrate species. In addition, this alteration is predicted to be tolerated by in silico analysis. Since supporting evidence is limited at this time, the clinical significance of this alteration remains unclear.

Labcorp Genetics (formerly Invitae), Labcorp
Classification: Likely benign for Ataxia-telangiectasia syndrome. Last evaluated: 2025-08-21. Review status: criteria provided, single submitter. Criteria: Invitae Variant Classification Sherloc (09022015). Collection method: clinical testing. Allele origin: germline.

GeneDx
Classification: Uncertain significance. Last evaluated: 2024-08-21. Review status: criteria provided, single submitter. Criteria: GeneDx Variant Classification Process June 2021. Collection method: clinical testing. Allele origin: germline. Affected: yes.
Comment: Not observed at significant frequency in large population cohorts (gnomAD); In silico analysis supports that this missense variant has a deleterious effect on protein structure/function; Has not been previously published as pathogenic or benign to our knowledge; This variant is associated with the following publications: (PMID: 19781682)

Color Diagnostics, LLC DBA Color Health
Classification: Uncertain significance for Hereditary cancer-predisposing syndrome. Last evaluated: 2023-12-04. Review status: criteria provided, single submitter. Criteria: ACMG Guidelines, 2015. Collection method: clinical testing. Allele origin: germline.
Comment: This missense variant replaces proline with leucine at codon 1382 of the ATM protein. Computational prediction suggests that this variant may not impact protein structure and function (internally defined REVEL score threshold <= 0.5, PMID: 27666373). To our knowledge, functional studies have not been reported for this variant. This variant has not been reported in individuals affected with ATM-related disorders in the literature. This variant has been identified in 1/251290 chromosomes in the general population by the Genome Aggregation Database (gnomAD). The available evidence is insufficient to determine the role of this variant in disease conclusively. Therefore, this variant is classified as a Variant of Uncertain Significance.

Women's Health and Genetics/Laboratory Corporation of America, LabCorp
Classification: Uncertain significance. Last evaluated: 2018-03-12. Review status: criteria provided, single submitter. Criteria: LabCorp Variant Classification Summary - May 2015. Collection method: clinical testing. Allele origin: germline.
Comment: Variant summary: ATM c.4145C>T (p.Pro1382Leu) results in a non-conservative amino acid change in the encoded protein sequence. Three of five in-silico tools predict a damaging effect of the variant on protein function. The variant allele was found at a frequency of 4.1e-06 in 246072 control chromosomes (gnomAD). The available data on variant occurrences in the general population are insufficient to allow any conclusion about variant significance. To our knowledge, no occurrence of c.4145C>T in individuals affected with HBOC and no experimental evidence demonstrating its impact on protein function have been reported. One clinical diagnostic laboratory has submitted clinical-significance assessments for this variant to ClinVar after 2014 without evidence for independent evaluation and classified the variant as uncertain significance. Based on the evidence outlined above, the variant was classified as uncertain significance.